The following is an entry in ClinVar:

NM_004608.4(TBX6):c.70G>T (p.Ala24Ser)

Gene: TBX6 (T-box transcription factor 6; minus strand). Cytogenetic location: 16p11.2.
Variant type: single nucleotide variant.
Coding change: c.70G>T on transcript NM_004608.4 (MANE Select); coding-DNA position 70, G replaced by T.
Protein change: p.Ala24Ser; replaces alanine 24 with serine.
Molecular consequence: missense variant.
Genome position (GRCh38, 1-based): chr16:30,091,124, C>A on the plus strand (G>T on the coding strand, the complement: TBX6 is on the minus strand). VCF-style: chr16-30091124-C-A. GRCh37 (hg19) VCF-style: chr16-30102445-C-A.
Other names: short protein forms A24S.
Identifiers: ClinVar variation 3966318 (VCV003966318.2).

ClinVar aggregate classification (germline): Uncertain significance. Review status: criteria provided, multiple submitters, no conflicts (2 of 4 stars). 2 submissions from 2 submitters: Uncertain significance (2). Last evaluated 2025-11-12.

Conditions:
Inborn genetic diseases. Identifiers: MedGen C0950123, MeSH D030342.

Submissions (2):

Labcorp Genetics (formerly Invitae), Labcorp
Classification: Uncertain significance. Last evaluated: 2025-11-12. Review status: criteria provided, single submitter. Criteria: Invitae Variant Classification Sherloc (09022015). Collection method: clinical testing. Allele origin: germline.
Comment: This sequence change replaces alanine, which is neutral and non-polar, with serine, which is neutral and polar, at codon 24 of the TBX6 protein (p.Ala24Ser). The frequency data for this variant in the population databases is considered unreliable, as metrics indicate poor data quality at this position in the gnomAD database. This variant has not been reported in the literature in individuals affected with TBX6-related conditions. ClinVar contains an entry for this variant (Variation ID: 3966318). An algorithm developed to predict the effect of missense changes on protein structure and function (PolyPhen-2) suggests that this variant is likely to be tolerated. In summary, the available evidence is currently insufficient to determine the role of this variant in disease. Therefore, it has been classified as a Variant of Uncertain Significance.

Ambry Genetics
Classification: Uncertain significance for Inborn genetic diseases. Last evaluated: 2025-06-09. Review status: criteria provided, single submitter. Criteria: Ambry Variant Classification Scheme 2023. Collection method: clinical testing. Allele origin: germline.